The following is an entry in ClinVar:

NM_000834.5(GRIN2B):c.3367T>C (p.Phe1123Leu)

Gene: GRIN2B (glutamate ionotropic receptor NMDA type subunit 2B; minus strand). Cytogenetic location: 12p13.1.
Variant type: single nucleotide variant.
Coding change: c.3367T>C on transcript NM_000834.5 (MANE Select); coding-DNA position 3367, T replaced by C.
Protein change: p.Phe1123Leu; replaces phenylalanine 1123 with leucine.
Molecular consequence: missense variant.
Genome position (GRCh38, 1-based): chr12:13,563,871, A>G on the plus strand (T>C on the coding strand, the complement: GRIN2B is on the minus strand). VCF-style: chr12-13563871-A-G. GRCh37 (hg19) VCF-style: chr12-13716805-A-G.
Other names: short protein forms F1123L.
Identifiers: ClinVar variation 654036 (VCV000654036.9), dbSNP rs1591606392, ClinGen allele CA383989784.

ClinVar aggregate classification (germline): Uncertain significance (1 of 4 stars; one submission).

Conditions:
Intellectual developmental disorder, autosomal dominant 6, with or without seizures. Also called: Intellectual disability, autosomal dominant 6; GRIN2B-related developmental delay, intellectual disability and autism spectrum disorder. Identifiers: Orphanet 589547, MedGen C3151411, MONDO:0013509, OMIM 613970.
Developmental and epileptic encephalopathy, 27 (DEE27). Also called: GRIN2B-Related Neurodevelopmental Disorder; Epileptic encephalopathy, early infantile, 27. Identifiers: Orphanet 3451, MedGen C4015316, MONDO:0014505, OMIM 616139.

Submission:

Labcorp Genetics (formerly Invitae), Labcorp
Classification: Uncertain significance for Developmental and epileptic encephalopathy, 27; Intellectual developmental disorder, autosomal dominant 6, with or without seizures. Last evaluated: 2018-10-15. Review status: criteria provided, single submitter. Criteria: Invitae Variant Classification Sherloc (09022015). Collection method: clinical testing. Allele origin: germline.
Comment: Algorithms developed to predict the effect of missense changes on protein structure and function (SIFT, PolyPhen-2, Align-GVGD) all suggest that this variant is likely to be tolerated, but these predictions have not been confirmed by published functional studies and their clinical significance is uncertain. This variant has not been reported in the literature in individuals with GRIN2B-related disease. This variant is not present in population databases (ExAC no frequency). This sequence change replaces phenylalanine with leucine at codon 1123 of the GRIN2B protein (p.Phe1123Leu). The phenylalanine residue is moderately conserved and there is a small physicochemical difference between phenylalanine and leucine. In summary, the available evidence is currently insufficient to determine the role of this variant in disease. Therefore, it has been classified as a Variant of Uncertain Significance.